The following is an entry in ClinVar:

NM_030957.4(ADAMTS10):c.2243T>C (p.Leu748Pro)

Gene: ADAMTS10 (ADAM metallopeptidase with thrombospondin type 1 motif 10; minus strand). Cytogenetic location: 19p13.2.
Variant type: single nucleotide variant.
Coding change: c.2243T>C on transcript NM_030957.4 (MANE Select); coding-DNA position 2243, T replaced by C.
Protein change: p.Leu748Pro; replaces leucine 748 with proline.
Molecular consequence: missense variant.
Genome position (GRCh38, 1-based): chr19:8,586,718, A>G on the plus strand (T>C on the coding strand, the complement: ADAMTS10 is on the minus strand). VCF-style: chr19-8586718-A-G. GRCh37 (hg19) VCF-style: chr19-8651602-A-G.
Other names: c.704T>C, p.Leu235Pro (NM_001282352.2); short protein forms L235P, L748P.
Identifiers: ClinVar variation 3389774 (VCV003389774.14).

ClinVar aggregate classification (germline): Uncertain significance (1 of 4 stars; one submission).

Submission:

CeGaT Center for Human Genetics Tuebingen
Classification: Uncertain significance. Last evaluated: 2024-09-01. Review status: criteria provided, single submitter. Criteria: CeGaT Center For Human Genetics Tuebingen Variant Classification Criteria Version 2. Collection method: clinical testing. Allele origin: germline. Affected: yes. Observed: 1 variant allele.
Comment: ADAMTS10: PM2